The following is an entry in ClinVar:

ClinVar aggregate classification (germline): Uncertain significance. Review status: criteria provided, multiple submitters, no conflicts (2 of 4 stars). 2 submissions from 2 submitters: Uncertain significance (2). Last evaluated 2025-08-29.

Conditions:
Inborn genetic diseases. Identifiers: MedGen C0950123, MeSH D030342.

Allele frequency attached by ClinVar (database versions not stated): gnomAD exomes below 0.00001; ExAC 0.00001; TOPMed 0.00001.

Submissions (2):

Ambry Genetics
Classification: Uncertain significance for Inborn genetic diseases. Last evaluated: 2025-08-29. Review status: criteria provided, single submitter. Criteria: Ambry Variant Classification Scheme 2023. Collection method: clinical testing. Allele origin: germline.

Labcorp Genetics (formerly Invitae), Labcorp
Classification: Uncertain significance. Last evaluated: 2023-08-04. Review status: criteria provided, single submitter. Criteria: Invitae Variant Classification Sherloc (09022015). Collection method: clinical testing. Allele origin: germline.
Comment: This variant has not been reported in the literature in individuals affected with RP1L1-related conditions. This variant is present in population databases (rs756389416, gnomAD 0.003%). This sequence change replaces proline, which is neutral and non-polar, with leucine, which is neutral and non-polar, at codon 119 of the RP1L1 protein (p.Pro119Leu). In summary, the available evidence is currently insufficient to determine the role of this variant in disease. Therefore, it has been classified as a Variant of Uncertain Significance. Advanced modeling of protein sequence and biophysical properties (such as structural, functional, and spatial information, amino acid conservation, physicochemical variation, residue mobility, and thermodynamic stability) performed at Invitae indicates that this missense variant is not expected to disrupt RP1L1 protein function.

NM_178857.6(RP1L1):c.356C>T (p.Pro119Leu)

Gene: RP1L1 (RP1 like 1). Cytogenetic location: 8p23.1.
Variant type: single nucleotide variant.
Coding change: c.356C>T on transcript NM_178857.6 (MANE Select); coding-DNA position 356, C replaced by T.
Protein change: p.Pro119Leu; replaces proline 119 with leucine.
Molecular consequence: missense variant.
Genome position (GRCh38, 1-based): chr8:10,622,846, G>A on the plus strand (C>T on the coding strand, the complement: RP1L1 is on the minus strand). VCF-style: chr8-10622846-G-A. GRCh37 (hg19) VCF-style: chr8-10480356-G-A.
Other names: c.356C>T (NM_178857.5); short protein forms P119L.
Identifiers: ClinVar variation 2993038 (VCV002993038.4), dbSNP rs756389416, ClinGen allele CA4625740.